The following is an entry in ClinVar:

ClinVar aggregate classification (germline): Uncertain significance (1 of 4 stars; one submission).

Conditions:
Neuronal ceroid lipofuscinosis 13 (CLN13). Also called: CEROID LIPOFUSCINOSIS, NEURONAL, 13 (KUFS TYPE); CLN13 Disease. Identifiers: Orphanet 352709, Orphanet 79262, MedGen C3715049, MONDO:0014147, OMIM 615362.

Submission:

Labcorp Genetics (formerly Invitae), Labcorp
Classification: Uncertain significance for Neuronal ceroid lipofuscinosis 13. Last evaluated: 2025-09-27. Review status: criteria provided, single submitter. Criteria: Invitae Variant Classification Sherloc (09022015). Collection method: clinical testing. Allele origin: germline.
Comment: This sequence change replaces aspartic acid, which is acidic and polar, with asparagine, which is neutral and polar, at codon 178 of the CTSF protein (p.Asp178Asn). This variant is not present in population databases (gnomAD no frequency). This variant has not been reported in the literature in individuals affected with CTSF-related conditions. An algorithm developed to predict the effect of missense changes on protein structure and function (PolyPhen-2) suggests that this variant is likely to be tolerated. Algorithms developed to predict the effect of sequence changes on RNA splicing suggest that this variant may disrupt the consensus splice site. In summary, the available evidence is currently insufficient to determine the role of this variant in disease. Therefore, it has been classified as a Variant of Uncertain Significance.

NM_003793.4(CTSF):c.532G>A (p.Asp178Asn)

Gene: CTSF (cathepsin F; minus strand). Cytogenetic location: 11q13.2.
Variant type: single nucleotide variant.
Coding change: c.532G>A on transcript NM_003793.4 (MANE Select); coding-DNA position 532, G replaced by A.
Protein change: p.Asp178Asn; replaces aspartic acid 178 with asparagine.
Molecular consequence: missense variant.
Genome position (GRCh38, 1-based): chr11:66,567,321, C>T on the plus strand (G>A on the coding strand, the complement: CTSF is on the minus strand). VCF-style: chr11-66567321-C-T. GRCh37 (hg19) VCF-style: chr11-66334792-C-T.
Other names: short protein forms D178N.
Identifiers: ClinVar variation 4807325 (VCV004807325.1).
Genomic context (GRCh38, chr11:66,567,321, plus strand): 5'-ATGTCCGGTTATAGGTAATGACAAAGTTCTTGAAGATTGAAGCCATCTTCACAGGCAAGT[C>T]CTGGATAGGCAGACCAGTCTTTAGGCTGACCAGAGAAACCCACTCCAGAGGGAAGGGAGA-3'
Protein context (NP_003784.2, residues 168-188): SLLNEDPLSQ[Asp178Asn]LPVKMASIFK